The following is an entry in ClinVar:

ClinVar aggregate classification (germline): Conflicting classifications of pathogenicity. Review status: criteria provided, conflicting classifications (1 of 4 stars). 3 submissions from 2 submitters: Uncertain significance (2); Benign (1). Last evaluated 2018-01-13.

Conditions:
Transient Neonatal Diabetes, Dominant/Recessive.
Neonatal insulin-dependent diabetes mellitus. Identifiers: MedGen C3278636, HP:0000857.
Maturity-onset diabetes of the young type 10. Identifiers: Orphanet 552, MedGen C3150617, MONDO:0013240, OMIM 613370.

Allele frequency attached by ClinVar (database versions not stated): gnomAD exomes 0.00001.
gnomAD v4.1: 6 of 722,614 alleles (0.00083%); highest among the groups gnomAD compares: Non-Finnish European, 0.0013%; no homozygotes.

Submissions (3):

Illumina Laboratory Services, Illumina
Classification: Uncertain significance for Transient Neonatal Diabetes, Dominant/Recessive. Last evaluated: 2018-01-13. Review status: criteria provided, single submitter. Criteria: ICSL Variant Classification Criteria 13 December 2019. Collection method: clinical testing. Allele origin: germline.

Illumina Laboratory Services, Illumina
Classification: Uncertain significance for Maturity-onset diabetes of the young type 10. Last evaluated: 2018-01-13. Review status: criteria provided, single submitter. Criteria: ICSL Variant Classification Criteria 13 December 2019. Collection method: clinical testing. Allele origin: germline.

Clinical Genomics, Uppaluri K&H Personalized Medicine Clinic
Classification: Benign for Neonatal insulin-dependent diabetes mellitus. Review status: criteria provided, single submitter. Criteria: K & H Uppaluri Personalized Medicine Clinic Variant Classification & Assertion Criteria_Updated V.1. Collection method: research. Allele origin: unknown.
Comment: Mutations in INS gene can cause early onset diabetes mellitus which is insulin dependent. May have poor response to sulfonylureas, as this mutation can cause beta cell destruction. However no sufficient evidence is found to ascertain the role of this particular variant rs886048112, yet.

Literature cited by the submitters: PubMed 11921414 (cited by Clinical Genomics, Uppaluri K&H Personalized Medicine Clinic); PubMed 25542748 (cited by Clinical Genomics, Uppaluri K&H Personalized Medicine Clinic); PubMed 26101329 (cited by Clinical Genomics, Uppaluri K&H Personalized Medicine Clinic); PubMed 18171712 (cited by Clinical Genomics, Uppaluri K&H Personalized Medicine Clinic).

NM_000207.3(INS):c.-18+3C>G

Genes: INS (insulin; minus strand), INS-IGF2 (INS-IGF2 readthrough; minus strand). Cytogenetic location: 11p15.5.
Variant type: single nucleotide variant.
Coding change: c.-18+3C>G on transcript NM_000207.3 (MANE Select); 3 bases into the intron after 18 bases upstream of the start codon, C replaced by G.
Molecular consequence: intron variant. On other transcripts: 5 prime UTR variant (3).
Genome position (GRCh38, 1-based): chr11:2,161,165, G>C on the plus strand (C>G on the coding strand, the complement: INS is on the minus strand). VCF-style: chr11-2161165-G-C. GRCh37 (hg19) VCF-style: chr11-2182395-G-C.
Other names: c.-41C>G (NM_001185097.2); c.-194C>G (NM_001185098.2); c.-75C>G (NM_001291897.2); c.-18+3C>G (NM_001042376.3).
Identifiers: ClinVar variation 304061 (VCV000304061.6), dbSNP rs886048112, ClinGen allele CA10630582.